The following is an entry in ClinVar:

NM_005912.3(MC4R):c.958T>C (p.Tyr320His)

Gene: MC4R (melanocortin 4 receptor; minus strand). Cytogenetic location: 18q21.32.
Variant type: single nucleotide variant.
Coding change: c.958T>C on transcript NM_005912.3 (MANE Select); coding-DNA position 958, T replaced by C.
Protein change: p.Tyr320His; replaces tyrosine 320 with histidine.
Molecular consequence: missense variant.
Genome position (GRCh38, 1-based): chr18:60,371,392, A>G on the plus strand (T>C on the coding strand, the complement: MC4R is on the minus strand). VCF-style: chr18-60371392-A-G. GRCh37 (hg19) VCF-style: chr18-58038625-A-G.
Other names: short protein forms Y320H.
Identifiers: ClinVar variation 5000275 (VCV005000275.1).

ClinVar aggregate classification (germline): Uncertain significance (1 of 4 stars; one submission).

Conditions:
MC4R-related disorder. Also called: MC4R-related condition.

Submission:

PreventionGenetics, part of Exact Sciences
Classification: Uncertain significance for MC4R-related condition. Last evaluated: 2024-12-02. Review status: criteria provided, single submitter. Criteria: ACMG Guidelines, 2015. Collection method: clinical testing. Allele origin: germline.
Comment: The MC4R c.958T>C variant is predicted to result in the amino acid substitution p.Tyr320His. To our knowledge, this variant has not been reported in the literature or in a large population database (gnomAD), indicating this variant is rare. At this time, the clinical significance of this variant is uncertain due to the absence of conclusive functional and genetic evidence.